The following is an entry in ClinVar:

ClinVar aggregate classification (germline): Uncertain significance (1 of 4 stars; one submission).

Conditions:
Ectodermal dysplasia and immunodeficiency 2. Identifiers: Orphanet 238468, Orphanet 98813, MedGen C2677481, MONDO:0012806, OMIM 612132.

Submission:

Labcorp Genetics (formerly Invitae), Labcorp
Classification: Uncertain significance for Ectodermal dysplasia and immunodeficiency 2. Last evaluated: 2023-04-06. Review status: criteria provided, single submitter. Criteria: Invitae Variant Classification Sherloc (09022015). Collection method: clinical testing. Allele origin: germline.
Comment: This sequence change replaces serine, which is neutral and polar, with cysteine, which is neutral and slightly polar, at codon 262 of the NFKBIA protein (p.Ser262Cys). This variant is not present in population databases (gnomAD no frequency). This variant has not been reported in the literature in individuals affected with NFKBIA-related conditions. An algorithm developed to predict the effect of missense changes on protein structure and function (PolyPhen-2) suggests that this variant is likely to be disruptive. In summary, the available evidence is currently insufficient to determine the role of this variant in disease. Therefore, it has been classified as a Variant of Uncertain Significance.

NM_020529.3(NFKBIA):c.784A>T (p.Ser262Cys)

Gene: NFKBIA (NFKB inhibitor alpha; minus strand). Cytogenetic location: 14q13.2.
Variant type: single nucleotide variant.
Coding change: c.784A>T on transcript NM_020529.3 (MANE Select); coding-DNA position 784, A replaced by T.
Protein change: p.Ser262Cys; replaces serine 262 with cysteine.
Molecular consequence: missense variant.
Genome position (GRCh38, 1-based): chr14:35,402,516, T>A on the plus strand (A>T on the coding strand, the complement: NFKBIA is on the minus strand). VCF-style: chr14-35402516-T-A. GRCh37 (hg19) VCF-style: chr14-35871722-T-A.
Other names: short protein forms S262C.
Identifiers: ClinVar variation 2797149 (VCV002797149.3), dbSNP rs2138830573, ClinGen allele CA389452106.